The following is an entry in ClinVar:

NM_198291.3(SRC):c.1413C>T (p.Asn471=)

Gene: SRC (SRC proto-oncogene, non-receptor tyrosine kinase; plus strand). Cytogenetic location: 20q11.23.
Variant type: single nucleotide variant.
Coding change: c.1413C>T on transcript NM_198291.3 (MANE Select); coding-DNA position 1413, C replaced by T.
Protein change: p.Asn471=; no amino-acid change (asparagine 471 retained).
Molecular consequence: synonymous variant.
Genome position (GRCh38, 1-based): chr20:37,403,181, C>T. VCF-style: chr20-37403181-C-T. GRCh37 (hg19) VCF-style: chr20-36031584-C-T.
Other names: c.1413C>T, p.Asn471= (NM_005417.5).
Identifiers: ClinVar variation 4988037 (VCV004988037.1).
Genomic context (GRCh38, chr20:37,403,181, plus strand): 5'-CCCACTTTCCTCACCGGAGCCGGGCTCCCCATGCCTCGCTCTGCCCACAGGGATGGTGAA[C>T]CGCGAGGTGCTGGACCAGGTGGAGCGGGGCTACCGGATGCCCTGCCCGCCGGAGTGTCCC-3'
Protein context (NP_938033.1, residues 461-481): KGRVPYPGMV[Asn471=]REVLDQVERG

ClinVar aggregate classification (germline): Likely benign (1 of 4 stars; one submission).

Conditions:
SRC-related disorder. Also called: SRC-related condition.

gnomAD v4.1: 38 of 1,544,616 alleles (0.0025%); highest among the groups gnomAD compares: South Asian, 0.039%; no homozygotes.

Submission:

PreventionGenetics, part of Exact Sciences
Classification: Likely benign for SRC-related condition. Last evaluated: 2026-04-17. Review status: criteria provided, single submitter. Criteria: ACMG Guidelines, 2015. Collection method: clinical testing. Allele origin: germline.
Comment: This variant is classified as likely benign based on ACMG/AMP sequence variant interpretation guidelines (Richards et al. 2015 PMID: 25741868, with internal and published modifications).